The following is an entry in ClinVar:

NM_021072.4(HCN1):c.1041C>A (p.Tyr347Ter)

Gene: HCN1 (hyperpolarization activated cyclic nucleotide gated potassium channel 1; minus strand). Cytogenetic location: 5p12.
Variant type: single nucleotide variant.
Coding change: c.1041C>A on transcript NM_021072.4 (MANE Select); coding-DNA position 1041, C replaced by A.
Protein change: p.Tyr347Ter; replaces tyrosine 347 with a stop codon.
Molecular consequence: nonsense.
Genome position (GRCh38, 1-based): chr5:45,396,681, G>T on the plus strand (C>A on the coding strand, the complement: HCN1 is on the minus strand). VCF-style: chr5-45396681-G-T. GRCh37 (hg19) VCF-style: chr5-45396783-G-T.
Other names: short protein forms Y347*.
Identifiers: ClinVar variation 2794550 (VCV002794550.3), dbSNP rs140235085, ClinGen allele CA359705572.
Genomic context (GRCh38, chr5:45,396,681, plus strand): 5'-GACTGGGGCTTGGGCTCCATACCCAATGCACAGCATGTGACTCATAGCTTTGAAGAGTGC[G>T]TATGAATACTGCTTTCCCCAAGAATCATTCTGCAACATAAGATAAAAAGAAAATTGACTG-3'

ClinVar aggregate classification (germline): Uncertain significance (1 of 4 stars; one submission).

Conditions:
Early-infantile DEE. Also called: Early infantile epileptic encephalopathy; Early infantile epileptic encephalopathy with suppression bursts; Ohtahara syndrome. Identifiers: Orphanet 1934, MedGen C0393706, MONDO:0800491.

gnomAD v4.1: 1 of 1,613,676 alleles (0.000062%); highest among the groups gnomAD compares: African/African-American, 0.0013%; no homozygotes.

Submission:

Labcorp Genetics (formerly Invitae), Labcorp
Classification: Uncertain significance for Early-infantile DEE. Last evaluated: 2023-11-11. Review status: criteria provided, single submitter. Criteria: Invitae Variant Classification Sherloc (09022015). Collection method: clinical testing. Allele origin: germline.
Comment: This sequence change creates a premature translational stop signal (p.Tyr347*) in the HCN1 gene. It is expected to result in an absent or disrupted protein product. However, the current clinical and genetic evidence is not sufficient to establish whether loss-of-function variants in HCN1 cause disease. This variant is not present in population databases (gnomAD no frequency). This variant has not been reported in the literature in individuals affected with HCN1-related conditions. In summary, the available evidence is currently insufficient to determine the role of this variant in disease. Therefore, it has been classified as a Variant of Uncertain Significance.